The following is an entry in ClinVar:

NM_001374385.1(ATP8B1):c.3415G>A (p.Ala1139Thr)

Genes: ATP8B1 (ATPase phospholipid transporting 8B1; minus strand), ATP8B1-AS1 (ATP8B1 antisense RNA 1; plus strand). Cytogenetic location: 18q21.31.
Variant type: single nucleotide variant.
Coding change: c.3415G>A on transcript NM_001374385.1 (MANE Select); coding-DNA position 3415, G replaced by A.
Protein change: p.Ala1139Thr; replaces alanine 1139 with threonine.
Molecular consequence: missense variant.
Genome position (GRCh38, 1-based): chr18:57,650,483, C>T on the plus strand (G>A on the coding strand, the complement: ATP8B1 is on the minus strand). VCF-style: chr18-57650483-C-T. GRCh37 (hg19) VCF-style: chr18-55317715-C-T.
Other names: c.3265G>A, p.Ala1089Thr (NM_001374386.1); c.3415G>A, p.Ala1139Thr (NM_005603.6); short protein forms A1089T, A1139T.
Identifiers: ClinVar variation 3354406 (VCV003354406.1).

ClinVar aggregate classification (germline): Uncertain significance (0 of 4 stars; one submission).

Conditions:
ATP8B1-related disorder. Also called: ATP8B1-related condition; ATP8B1-related disorders.

gnomAD v4.1: 21 of 1,613,472 alleles (0.0013%); highest among the groups gnomAD compares: South Asian, 0.0066%; no homozygotes.

Submission:

PreventionGenetics, part of Exact Sciences
Classification: Uncertain significance for ATP8B1-related condition. Last evaluated: 2024-05-19. Review status: no assertion criteria provided. Collection method: clinical testing. Allele origin: germline.
Comment: The ATP8B1 c.3415G>A variant is predicted to result in the amino acid substitution p.Ala1139Thr. To our knowledge, this variant has not been reported in the literature. This variant is reported in 0.016% of alleles in individuals of South Asian descent in gnomAD. At this time, the clinical significance of this variant is uncertain due to the absence of conclusive functional and genetic evidence.